The following is an entry in ClinVar:

ClinVar aggregate classification (germline): Uncertain significance (1 of 4 stars; one submission).

Conditions:
Generalized epilepsy-paroxysmal dyskinesia syndrome (PNKD3). Also called: Generalized epilepsy and paroxysmal dyskinesia; Paroxysmal nonkinesigenic dyskinesia, 3, with or without generalized epilepsy. Identifiers: Orphanet 79137, MedGen C5574945, MONDO:0012276, OMIM 609446.

Allele frequency attached by ClinVar (database versions not stated): TOPMed below 0.00001; ExAC 0.00001.
gnomAD v4.1: 1 of 1,614,096 alleles (0.000062%); highest among the groups gnomAD compares: Non-Finnish European, 0.000085%; no homozygotes.

Submission:

Labcorp Genetics (formerly Invitae), Labcorp
Classification: Uncertain significance for Generalized epilepsy-paroxysmal dyskinesia syndrome. Last evaluated: 2023-02-01. Review status: criteria provided, single submitter. Criteria: Invitae Variant Classification Sherloc (09022015). Collection method: clinical testing. Allele origin: germline.
Comment: This variant has not been reported in the literature in individuals affected with KCNMA1-related conditions. This sequence change replaces lysine, which is basic and polar, with threonine, which is neutral and polar, at codon 750 of the KCNMA1 protein (p.Lys750Thr). This variant is present in population databases (rs780661063, gnomAD 0.0009%). Advanced modeling of protein sequence and biophysical properties (such as structural, functional, and spatial information, amino acid conservation, physicochemical variation, residue mobility, and thermodynamic stability) performed at Invitae indicates that this missense variant is not expected to disrupt KCNMA1 protein function. In summary, the available evidence is currently insufficient to determine the role of this variant in disease. Therefore, it has been classified as a Variant of Uncertain Significance.

NM_001161352.2(KCNMA1):c.2423A>C (p.Lys808Thr)

Genes: KCNMA1 (potassium calcium-activated channel subfamily M alpha 1; minus strand), KCNMA1-AS1 (KCNMA1 antisense RNA 1; plus strand). Cytogenetic location: 10q22.3.
Variant type: single nucleotide variant.
Coding change: c.2423A>C on transcript NM_001161352.2 (MANE Select); coding-DNA position 2423, A replaced by C.
Protein change: p.Lys808Thr; replaces lysine 808 with threonine.
Molecular consequence: missense variant.
Genome position (GRCh38, 1-based): chr10:76,953,862, T>G on the plus strand (A>C on the coding strand, the complement: KCNMA1 is on the minus strand). VCF-style: chr10-76953862-T-G. GRCh37 (hg19) VCF-style: chr10-78713620-T-G.
Other names: c.2258A>C, p.Lys753Thr (NM_001271519.2, NM_001322829.2, NM_001322836.2); c.2249A>C, p.Lys750Thr (NM_001322832.2, NM_001410940.1, NM_002247.4 and 1 more transcripts); c.2261A>C, p.Lys754Thr (NM_001322835.2, NM_001322837.2, NM_001014797.3); c.2270A>C, p.Lys757Thr (NM_001322830.2); c.1796A>C, p.Lys599Thr (NM_001322838.2); c.2099A>C, p.Lys700Thr (NM_001271518.2); short protein forms K757T, K599T, K700T, K753T, K754T, K808T, K750T.
Identifiers: ClinVar variation 2833795 (VCV002833795.3), dbSNP rs780661063, ClinGen allele CA5568092.
Genomic context (GRCh38, chr10:76,953,862, plus strand): 5'-AGGATGACTTTCTCTATCTCCTTGGGTGCACACCAGTGAAACATCCCAGTAGAGTCGTAC[T>G]TCTTCACATTGGAGTCCATGTTGTCAATCTGATCATTGCCAGGAATTAACAAGGGGTCAT-3'
Protein context (NP_001154824.1, residues 798-818): QIDNMDSNVK[Lys808Thr]YDSTGMFHWC